The following is an entry in ClinVar:

ClinVar aggregate classification (germline): Uncertain significance (1 of 4 stars; one submission).

Conditions:
X-linked Emery-Dreifuss muscular dystrophy. Also called: Muscular dystrophy, tardive Emery-Dreifuss type, with contractures. Identifiers: Orphanet 261, Orphanet 98863, MedGen C0751337, MONDO:0010680.

Submission:

Labcorp Genetics (formerly Invitae), Labcorp
Classification: Uncertain significance for X-linked Emery-Dreifuss muscular dystrophy. Last evaluated: 2021-09-28. Review status: criteria provided, single submitter. Criteria: Invitae Variant Classification Sherloc (09022015). Collection method: clinical testing. Allele origin: germline.
Comment: This sequence change falls in intron 2 of the EMD gene. It does not directly change the encoded amino acid sequence of the EMD protein. It affects a nucleotide within the consensus splice site of the intron. In summary, the available evidence is currently insufficient to determine the role of this variant in disease. Therefore, it has been classified as a Variant of Uncertain Significance. Variants that disrupt the consensus splice site are a relatively common cause of aberrant splicing (PMID: 17576681, 9536098). Algorithms developed to predict the effect of sequence changes on RNA splicing suggest that this variant may disrupt the consensus splice site. This variant has not been reported in the literature in individuals affected with EMD-related conditions. This variant is not present in population databases (ExAC no frequency).

Literature cited by the submitters: PubMed 17576681; PubMed 9536098.

NM_000117.3(EMD):c.187+4A>T

Gene: EMD (emerin; plus strand). Cytogenetic location: Xq28.
Variant type: single nucleotide variant.
Coding change: c.187+4A>T on transcript NM_000117.3 (MANE Select); 4 bases into the intron after coding-DNA position 187, A replaced by T.
Molecular consequence: intron variant.
Genome position (GRCh38, 1-based): chrX:154,379,798, A>T. VCF-style: chrX-154379798-A-T. GRCh37 (hg19) VCF-style: chrX-153608158-A-T.
Identifiers: ClinVar variation 1507364 (VCV001507364.6), dbSNP rs2148128205, ClinGen allele CA2573159405.
Genomic context (GRCh38, chrX:154,379,798, plus strand): 5'-AGAGGCGGCGGCTCTCGCCCCCCAGCTCGTCCGCCGCCTCCTCTTATAGCTTCTCTGGTG[A>T]GAGCCTCGCCTGTGGGGACAGCCTGGGACGCGGGGAGGATGGGGTCGCGAGGGTGTGGCA-3'